The following is an entry in ClinVar:

ClinVar aggregate classification (germline): Uncertain significance (1 of 4 stars; one submission).

Allele frequency attached by ClinVar (database versions not stated): gnomAD exomes 0.00001.
gnomAD v4.1: 12 of 1,613,578 alleles (0.00074%); highest among the groups gnomAD compares: Non-Finnish European, 0.001%; no homozygotes.

Submission:

CeGaT Center for Human Genetics Tuebingen
Classification: Uncertain significance. Last evaluated: 2024-02-01. Review status: criteria provided, single submitter. Criteria: CeGaT Center For Human Genetics Tuebingen Variant Classification Criteria Version 2. Collection method: clinical testing. Allele origin: germline. Affected: yes. Observed: 1 variant allele.
Comment: SETX: PM2

NM_015046.7(SETX):c.5342C>G (p.Pro1781Arg)

Gene: SETX (senataxin; minus strand). Cytogenetic location: 9q34.13.
Variant type: single nucleotide variant.
Coding change: c.5342C>G on transcript NM_015046.7 (MANE Select); coding-DNA position 5342, C replaced by G.
Protein change: p.Pro1781Arg; replaces proline 1781 with arginine.
Molecular consequence: missense variant.
Genome position (GRCh38, 1-based): chr9:132,311,789, G>C on the plus strand (C>G on the coding strand, the complement: SETX is on the minus strand). VCF-style: chr9-132311789-G-C. GRCh37 (hg19) VCF-style: chr9-135187176-G-C.
Other names: c.5342C>G, p.Pro1781Arg (NM_001351527.2, NM_001351528.2); short protein forms P1781R.
Identifiers: ClinVar variation 3027260 (VCV003027260.22), dbSNP rs2539021792, ClinGen allele CA375320103.